The following is an entry in ClinVar:

NM_000069.3(CACNA1S):c.5435A>T (p.Gln1812Leu)

Gene: CACNA1S (calcium voltage-gated channel subunit alpha1 S; minus strand). Cytogenetic location: 1q32.1.
Variant type: single nucleotide variant.
Coding change: c.5435A>T on transcript NM_000069.3 (MANE Select); coding-DNA position 5435, A replaced by T.
Protein change: p.Gln1812Leu; replaces glutamine 1812 with leucine.
Molecular consequence: missense variant.
Genome position (GRCh38, 1-based): chr1:201,040,018, T>A on the plus strand (A>T on the coding strand, the complement: CACNA1S is on the minus strand). VCF-style: chr1-201040018-T-A. GRCh37 (hg19) VCF-style: chr1-201009146-T-A.
Other names: short protein forms Q1812L.
Identifiers: ClinVar variation 3752496 (VCV003752496.2).

ClinVar aggregate classification (germline): Uncertain significance (1 of 4 stars; one submission).

Conditions:
Hypokalemic periodic paralysis, type 1. Also called: HypoPP; Hypokalemic Periodic Paralysis Type 1 (AD). Identifiers: Orphanet 681, MedGen C3714580, MONDO:0042979, OMIM 170400.
Malignant hyperthermia, susceptibility to, 5 (MHS5). Also called: CACNA1S-Related Malignant Hyperthermia Susceptibility. Identifiers: Orphanet 423, MedGen C1866077, MONDO:0011163, OMIM 601887.

gnomAD v4.1: 5 of 1,614,104 alleles (0.00031%); highest among the groups gnomAD compares: Non-Finnish European, 0.00042%; no homozygotes.

Submission:

Labcorp Genetics (formerly Invitae), Labcorp
Classification: Uncertain significance for Hypokalemic periodic paralysis, type 1; Malignant hyperthermia, susceptibility to, 5. Last evaluated: 2024-12-26. Review status: criteria provided, single submitter. Criteria: Invitae Variant Classification Sherloc (09022015). Collection method: clinical testing. Allele origin: germline.
Comment: This sequence change replaces glutamine, which is neutral and polar, with leucine, which is neutral and non-polar, at codon 1812 of the CACNA1S protein (p.Gln1812Leu). This variant is not present in population databases (gnomAD no frequency). This variant has not been reported in the literature in individuals affected with CACNA1S-related conditions. Invitae Evidence Modeling of protein sequence and biophysical properties (such as structural, functional, and spatial information, amino acid conservation, physicochemical variation, residue mobility, and thermodynamic stability) indicates that this missense variant is not expected to disrupt CACNA1S protein function with a negative predictive value of 95%. In summary, the available evidence is currently insufficient to determine the role of this variant in disease. Therefore, it has been classified as a Variant of Uncertain Significance.